The following is an entry in ClinVar:

ClinVar aggregate classification (germline): Uncertain significance. Review status: criteria provided, multiple submitters, no conflicts (2 of 4 stars). 2 submissions from 2 submitters: Uncertain significance (2). Last evaluated 2025-11-19.

Conditions:
Usher syndrome type 3B. Also called: USHER SYNDROME, TYPE IIIB. Identifiers: MedGen C3281066, MONDO:0013788, OMIM 614504.

gnomAD v4.1: 15 of 1,610,152 alleles (0.00093%); highest among the groups gnomAD compares: Non-Finnish European, 0.0012%; no homozygotes.

Submissions (2):

Ambry Genetics
Classification: Uncertain significance. Last evaluated: 2025-11-19. Review status: criteria provided, single submitter. Criteria: Ambry Variant Classification Scheme 2023. Collection method: clinical testing. Allele origin: germline.

Labcorp Genetics (formerly Invitae), Labcorp
Classification: Uncertain significance for Usher syndrome type 3B. Last evaluated: 2025-07-20. Review status: criteria provided, single submitter. Criteria: Invitae Variant Classification Sherloc (09022015). Collection method: clinical testing. Allele origin: germline.
Comment: This sequence change replaces arginine, which is basic and polar, with proline, which is neutral and non-polar, at codon 405 of the HARS protein (p.Arg405Pro). This variant is present in population databases (rs147185134, gnomAD 0.004%). This variant has not been reported in the literature in individuals affected with HARS-related conditions. ClinVar contains an entry for this variant (Variation ID: 1800096). Invitae Evidence Modeling of protein sequence and biophysical properties (such as structural, functional, and spatial information, amino acid conservation, physicochemical variation, residue mobility, and thermodynamic stability) indicates that this missense variant is not expected to disrupt HARS protein function with a negative predictive value of 80%. In summary, the available evidence is currently insufficient to determine the role of this variant in disease. Therefore, it has been classified as a Variant of Uncertain Significance.

NM_002109.6(HARS1):c.1214G>C (p.Arg405Pro)

Gene: HARS1 (histidyl-tRNA synthetase 1; minus strand). Cytogenetic location: 5q31.3.
Variant type: single nucleotide variant.
Coding change: c.1214G>C on transcript NM_002109.6 (MANE Select); coding-DNA position 1214, G replaced by C.
Protein change: p.Arg405Pro; replaces arginine 405 with proline.
Molecular consequence: missense variant.
Genome position (GRCh38, 1-based): chr5:140,675,114, C>G on the plus strand (G>C on the coding strand, the complement: HARS1 is on the minus strand). VCF-style: chr5-140675114-C-G. GRCh37 (hg19) VCF-style: chr5-140054699-C-G.
Other names: c.1094G>C, p.Arg365Pro (NM_001258040.3); c.1154G>C, p.Arg385Pro (NM_001258041.3); c.1034G>C, p.Arg345Pro (NM_001258042.3); c.992G>C, p.Arg331Pro (NM_001289092.2); c.872G>C, p.Arg291Pro (NM_001289093.2); c.1127G>C, p.Arg376Pro (NM_001289094.2); short protein forms R291P, R331P, R345P, R365P, R376P, R385P, R405P.
Identifiers: ClinVar variation 1800096 (VCV001800096.8), dbSNP rs147185134, ClinGen allele CA3443877.